The following is an entry in ClinVar:

NM_014915.3(ANKRD26):c.4976dup (p.Asn1659fs)

Gene: ANKRD26 (ankyrin repeat domain 26; minus strand). Cytogenetic location: 10p12.1.
Variant type: Duplication.
Coding change: c.4976dup on transcript NM_014915.3 (MANE Select); coding-DNA position 4976, one base duplicated (A; older notation c.4976dupA).
Protein change: p.Asn1659fs; shifts the reading frame from asparagine 1659.
Molecular consequence: frameshift variant.
Genome position (GRCh38, 1-based): chr10:27,006,940, T duplicated on the plus strand (A on the coding strand, the reverse complement: ANKRD26 is on the minus strand); the first of 7 consecutive T bases (chr10:27,006,940-27,006,946); duplicating any one gives the same sequence. VCF-style (leftmost placement, unchanged base first): chr10-27006939-A-AT. GRCh37 (hg19) VCF-style: chr10-27295868-A-AT.
Other names: c.4976dup (NM_014915.2); c.4973dup, p.Asn1658fs (NM_001256053.2); c.4976dupA (NM_014915.2); short protein forms N1659fs, N1658fs.
Identifiers: ClinVar variation 2136854 (VCV002136854.6), dbSNP rs762275496, ClinGen allele CA5447677.

ClinVar aggregate classification (germline): Uncertain significance. Review status: criteria provided, multiple submitters, no conflicts (2 of 4 stars). 3 submissions from 3 submitters: Uncertain significance (3). Last evaluated 2026-09-01.

Conditions:
ANKRD26-related disorder. Also called: ANKRD26-related condition.

Submissions (3):

PreventionGenetics, part of Exact Sciences
Classification: Uncertain significance for ANKRD26-related condition. Last evaluated: 2026-09-01. Review status: criteria provided, single submitter. Criteria: ACMG Guidelines, 2015. Collection method: clinical testing. Allele origin: germline.
Comment: The ANKRD26 c.4976dupA variant is predicted to result in a frameshift and premature protein termination (p.Asn1659Lysfs*4). This variant has been reported in an individual with inherited bone marrow failure syndrome (Table S3, Ghemlas et al. 2015. PubMed ID: 26136524). This variant is reported in 0.0099% of alleles in individuals of Ashkenazi Jewish descent in gnomAD. Loss of function is not an established mechanism of ANKRD26-related disease. Although we suspect that this variant may be pathogenic, at this time, the clinical significance of this variant is uncertain due to the absence of conclusive functional and genetic evidence.

GeneDx
Classification: Uncertain significance. Last evaluated: 2024-03-10. Review status: criteria provided, single submitter. Criteria: GeneDx Variant Classification Process June 2021. Collection method: clinical testing. Allele origin: germline. Affected: yes.
Comment: Frameshift variant predicted to result in abnormal protein length as the last 52 amino acids are replaced with 3 different amino acids; Not observed at significant frequency in large population cohorts (gnomAD); Observed in a patient with familial thrombocytopenia (PMID: 26136524); This variant is associated with the following publications: (PMID: 26136524)

Labcorp Genetics (formerly Invitae), Labcorp
Classification: Uncertain significance. Last evaluated: 2023-06-06. Review status: criteria provided, single submitter. Criteria: Invitae Variant Classification Sherloc (09022015). Collection method: clinical testing. Allele origin: germline.
Comment: This variant is also known as c.4976dupA p.Ile1659Tyrfs*3. This premature translational stop signal has been observed in individual(s) with autosomal dominant familial thrombocytopenia (PMID: 26136524). This variant is present in population databases (rs762275496, gnomAD 0.01%). ClinVar contains an entry for this variant (Variation ID: 2136854). This sequence change creates a premature translational stop signal (p.Asn1659Lysfs*4) in the ANKRD26 gene. While this is not anticipated to result in nonsense mediated decay, it is expected to disrupt the last 52 amino acid(s) of the ANKRD26 protein. In summary, the available evidence is currently insufficient to determine the role of this variant in disease. Therefore, it has been classified as a Variant of Uncertain Significance. Experimental studies and prediction algorithms are not available or were not evaluated, and the functional significance of this variant is currently unknown.

Literature cited by the submitters: PubMed 26136524 (cited by Labcorp Genetics (formerly Invitae), Labcorp).